The following is an entry in ClinVar:

ClinVar aggregate classification (germline): Uncertain significance (1 of 4 stars; one submission).

Conditions:
Marfan syndrome (MFS). Also called: Marfan's syndrome; MARFAN SYNDROME, TYPE I; Marfan syndrome type 1; Marfan syndrome, classic; FBN1-Related Marfan Syndrome. Identifiers: Orphanet 284963, Orphanet 558, MedGen C0024796, MONDO:0007947, OMIM 154700.

Submission:

Dasa
Classification: Uncertain significance for Marfan syndrome. Last evaluated: 2025-08-20. Review status: criteria provided, single submitter. Criteria: DASA Assertion Criteria. Collection method: clinical testing. Allele origin: germline.
Comment: NM_000138.5(FBN1):c.2871_2915dup (p.Cys958_Ala972dup) is an in-frame duplication predicted to duplicate amino acids from cysteine at protein position 958 through alanine at protein position 972 without shifting the reading frame. This variant is absent from population databases. The currently available literature and clinical evidence are not sufficient to establish a definitive association between this variant and the reported condition. Therefore, this variant is classified as a variant of uncertain significance.

NM_000138.5(FBN1):c.2871_2915dup (p.Ala972_Gly973insCysPheLeuArgTyrGluAspGluGluCysThrLeuProIleAla)

Gene: FBN1 (fibrillin 1; minus strand). Cytogenetic location: 15q21.1.
Variant type: Duplication.
Coding change: c.2871_2915dup on transcript NM_000138.5 (MANE Select); coding-DNA positions 2871 to 2915, 45 bases duplicated.
Protein change: p.Ala972_Gly973insCysPheLeuArgTyrGluAspGluGluCysThrLeuProIleAla.
Molecular consequence: inframe insertion.
Genome position (GRCh38, 1-based): chr15:48,490,018-48,490,062, 45 bases duplicated; duplicating any 45 consecutive bases within chr15:48,490,018-48,490,063 gives the same sequence; the c. name uses the placement nearest the transcript's 3' end. GRCh37 (hg19): chr15:48,782,216-48,782,260.
Other names: c.2871_2915dup, p.Ala972_Gly973insCysPheLeuArgTyrGluAspGluGluCysThrLeuProIleAla (NM_001406716.1).
Identifiers: ClinVar variation 4884150 (VCV004884150.2).